The following is an entry in ClinVar:

NM_015295.3(SMCHD1):c.5798T>G (p.Leu1933Arg)

Gene: SMCHD1 (structural maintenance of chromosomes flexible hinge domain containing 1; plus strand). Cytogenetic location: 18p11.32.
Variant type: single nucleotide variant.
Coding change: c.5798T>G on transcript NM_015295.3 (MANE Select); coding-DNA position 5798, T replaced by G.
Protein change: p.Leu1933Arg; replaces leucine 1933 with arginine.
Molecular consequence: missense variant.
Genome position (GRCh38, 1-based): chr18:2,796,027, T>G. VCF-style: chr18-2796027-T-G. GRCh37 (hg19) VCF-style: chr18-2796025-T-G.
Other names: short protein forms L1933R.
Identifiers: ClinVar variation 3253489 (VCV003253489.1), dbSNP rs1405560459.

ClinVar aggregate classification (germline): Uncertain significance (1 of 4 stars; one submission).

Submission:

GeneDx
Classification: Uncertain significance. Last evaluated: 2024-04-26. Review status: criteria provided, single submitter. Criteria: GeneDx Variant Classification Process June 2021. Collection method: clinical testing. Allele origin: germline. Affected: yes.
Comment: Not observed at significant frequency in large population cohorts (gnomAD); In silico analysis indicates that this missense variant does not alter protein structure/function; Has not been previously published as pathogenic or benign to our knowledge